The following is an entry in ClinVar:

NM_006231.4(POLE):c.3928_3930dup (p.Gly1310_Pro1311insGly)

Gene: POLE (DNA polymerase epsilon, catalytic subunit; minus strand). Cytogenetic location: 12q24.33.
Variant type: Duplication.
Coding change: c.3928_3930dup on transcript NM_006231.4 (MANE Select); coding-DNA positions 3928 to 3930, 3 bases duplicated (GGT; older notation c.3928_3930dupGGT).
Protein change: p.Gly1310_Pro1311insGly.
Molecular consequence: inframe insertion.
Genome position (GRCh38, 1-based): chr12:132,649,381-132,649,383, ACC duplicated on the plus strand (GGT on the coding strand, the reverse complement: POLE is on the minus strand); duplicating any 3 consecutive bases within chr12:132,649,381-132,649,384 gives the same sequence; the c. name uses the placement nearest the transcript's 3' end. VCF-style (leftmost placement, unchanged base first): chr12-132649380-G-GACC. GRCh37 (hg19) VCF-style: chr12-133225966-G-GACC.
Identifiers: ClinVar variation 3781526 (VCV003781526.1).
Genomic context (GRCh38, chr12:132,649,380, plus strand): 5'-ACGGAAGGTCCAGGATGCTGCGGGCAGTTCTTCGCAAGAAGCTCCCCAGCCCCGTGGCAG[G>GACC]ACCATCCCGGATGGCCCCGGGCCTGAGCACACCCTCTGCCGACTCCAGACGCTGCCTCTT-3'

ClinVar aggregate classification (germline): Uncertain significance (1 of 4 stars; one submission).

Conditions:
Hereditary cancer-predisposing syndrome. Also called: Neoplastic Syndromes, Hereditary; Hereditary Cancer Syndrome; Tumor predisposition; Hereditary neoplastic syndrome. Identifiers: Orphanet 140162, MedGen C0027672, MeSH D009386, MONDO:0015356.

Submission:

Ambry Genetics
Classification: Uncertain significance for Hereditary cancer-predisposing syndrome. Last evaluated: 2024-12-20. Review status: criteria provided, single submitter. Criteria: Ambry Variant Classification Scheme 2023. Collection method: clinical testing. Allele origin: germline.
Comment: The c.3928_3930dupGGT variant (also known as p.G1310dup), located in coding exon 31 of the POLE gene, results from an in-frame duplication of GGT at nucleotide positions 3928 to 3930. This results in the duplication of a glycine residue at codon 1310. This amino acid position is not well conserved in available vertebrate species. In addition, the in silico prediction for this alteration is inconclusive (Choi Y et al. PLoS ONE. 2012; 7(10):e46688). Based on the available evidence, the clinical significance of this variant remains unclear.